The following is an entry in ClinVar:

ClinVar aggregate classification (germline): Likely pathogenic (1 of 4 stars; one submission).

Conditions:
Alstrom syndrome (ALMS). Identifiers: Orphanet 64, MedGen C0268425, MONDO:0008763, OMIM 203800.

Submission:

Myriad Genetics, Inc.
Classification: Likely pathogenic for Alstrom syndrome. Last evaluated: 2022-01-02. Review status: criteria provided, single submitter. Criteria: Myriad Women's Health Autosomal Recessive and X-Linked Classification Criteria (2021). Collection method: clinical testing. Allele origin: unknown.
Comment: NM_015120.4(ALMS1):c.6073A>T(K2025*) is expected to be pathogenic in the context of Alstrom syndrome. This variant is predicted to lead to an abnormal or absent protein product due to the creation of a premature termination codon in ALMS1, a gene where loss-of-function variants are known to be pathogenic. Please note: this variant was assessed in the context of healthy population screening.

NM_001378454.1(ALMS1):c.6070A>T (p.Lys2024Ter)

Gene: ALMS1 (ALMS1 centrosome and basal body associated protein; plus strand). Cytogenetic location: 2p13.1.
Variant type: single nucleotide variant.
Coding change: c.6070A>T on transcript NM_001378454.1 (MANE Select); coding-DNA position 6070, A replaced by T.
Protein change: p.Lys2024Ter; replaces lysine 2024 with a stop codon.
Molecular consequence: nonsense.
Genome position (GRCh38, 1-based): chr2:73,452,597, A>T. VCF-style: chr2-73452597-A-T. GRCh37 (hg19) VCF-style: chr2-73679724-A-T.
Other names: c.6073A>T, p.Lys2025Ter (NM_015120.4); short protein forms K2024*, K2025*.
Identifiers: ClinVar variation 1726857 (VCV001726857.2), dbSNP rs886056307, ClinGen allele CA347284711.